The following is an entry in ClinVar:

NM_006514.4(SCN10A):c.3299A>G (p.Lys1100Arg)

Genes: SCN10A (sodium voltage-gated channel alpha subunit 10; minus strand), LOC110121288 (VISTA enhancer hs2268; plus strand). Cytogenetic location: 3p22.2.
Variant type: single nucleotide variant.
Coding change: c.3299A>G on transcript NM_006514.4 (MANE Select); coding-DNA position 3299, A replaced by G.
Protein change: p.Lys1100Arg; replaces lysine 1100 with arginine.
Molecular consequence: missense variant.
Genome position (GRCh38, 1-based): chr3:38,723,483, T>C on the plus strand (A>G on the coding strand, the complement: SCN10A is on the minus strand). VCF-style: chr3-38723483-T-C. GRCh37 (hg19) VCF-style: chr3-38764974-T-C.
Other names: c.3296A>G, p.Lys1099Arg (NM_001293306.2); c.3005A>G, p.Lys1002Arg (NM_001293307.2); c.3299A>G (NM_006514.2); short protein forms K1100R, K1002R, K1099R.
Identifiers: ClinVar variation 934401 (VCV000934401.5), dbSNP rs928529158, ClinGen allele CA72958537.

ClinVar aggregate classification (germline): Uncertain significance. Review status: criteria provided, multiple submitters, no conflicts (2 of 4 stars). 2 submissions from 2 submitters: Uncertain significance (2). Last evaluated 2025-05-13.

Conditions:
Cardiovascular phenotype. Identifiers: MedGen CN230736.
Brugada syndrome. Also called: Sudden Unexplained Death Syndrome; Sudden Unexplained Nocturnal Death Syndrome (SUNDS); Sudden unexpected nocturnal death syndrome; Sudden unexplained nocturnal death syndrome. Identifiers: Orphanet 130, MedGen C1142166, MONDO:0015263.

Allele frequency attached by ClinVar (database versions not stated): gnomAD exomes below 0.00001 and 0.00001; TOPMed below 0.00001.
gnomAD v4.1: 12 of 1,614,016 alleles (0.00074%); highest among the groups gnomAD compares: Non-Finnish European, 0.001%; no homozygotes.

Submissions (2):

Labcorp Genetics (formerly Invitae), Labcorp
Classification: Uncertain significance for Brugada syndrome. Last evaluated: 2025-05-13. Review status: criteria provided, single submitter. Criteria: Invitae Variant Classification Sherloc (09022015). Collection method: clinical testing. Allele origin: germline.
Comment: This sequence change replaces lysine, which is basic and polar, with arginine, which is basic and polar, at codon 1100 of the SCN10A protein (p.Lys1100Arg). This variant is present in population databases (no rsID available, gnomAD 0.0009%). This variant has not been reported in the literature in individuals affected with SCN10A-related conditions. ClinVar contains an entry for this variant (Variation ID: 934401). Invitae Evidence Modeling of protein sequence and biophysical properties (such as structural, functional, and spatial information, amino acid conservation, physicochemical variation, residue mobility, and thermodynamic stability) indicates that this missense variant is not expected to disrupt SCN10A protein function with a negative predictive value of 80%. In summary, the available evidence is currently insufficient to determine the role of this variant in disease. Therefore, it has been classified as a Variant of Uncertain Significance.

Ambry Genetics
Classification: Uncertain significance for Cardiovascular phenotype. Last evaluated: 2024-04-26. Review status: criteria provided, single submitter. Criteria: Ambry Variant Classification Scheme 2023. Collection method: clinical testing. Allele origin: germline.
Comment: The p.K1100R variant (also known as c.3299A>G), located in coding exon 18 of the SCN10A gene, results from an A to G substitution at nucleotide position 3299. The lysine at codon 1100 is replaced by arginine, an amino acid with highly similar properties. This amino acid position is conserved. In addition, this alteration is predicted to be tolerated by in silico analysis. Based on the available evidence, the clinical significance of this variant remains unclear.